The following is an entry in ClinVar:

ClinVar aggregate classification (germline): Uncertain significance (1 of 4 stars; one submission).

Conditions:
Acute myeloid leukemia (AML). Also called: Acute myeloid leukemia, adult; AML adult; Acute non-lymphocytic leukemia; Acute granulocytic leukemia; Leukemia, acute myeloid, somatic; Leukemia, acute myelogenous, somatic. Identifiers: Orphanet 519, MedGen C0023467, MeSH D015470, MONDO:0018874, OMIM 601626, HP:0004808. Disease mechanism: Constitutively activated FLT3.

Allele frequency attached by ClinVar (database versions not stated): gnomAD exomes below 0.00001.

Submission:

Labcorp Genetics (formerly Invitae), Labcorp
Classification: Uncertain significance for Acute myeloid leukemia. Last evaluated: 2023-10-19. Review status: criteria provided, single submitter. Criteria: Invitae Variant Classification Sherloc (09022015). Collection method: clinical testing. Allele origin: germline.
Comment: This sequence change affects codon 64 of the CEBPA mRNA. It is a 'silent' change, meaning that it does not change the encoded amino acid sequence of the CEBPA protein. This variant is not present in population databases (gnomAD no frequency). This variant has not been reported in the literature in individuals affected with CEBPA-related conditions. In summary, the available evidence is currently insufficient to determine the role of this variant in disease. Therefore, it has been classified as a Variant of Uncertain Significance.

NM_004364.5(CEBPA):c.192C>T (p.Ile64=)

Gene: CEBPA (CCAAT enhancer binding protein alpha; minus strand). Cytogenetic location: 19q13.11.
Variant type: single nucleotide variant.
Coding change: c.192C>T on transcript NM_004364.5 (MANE Select); coding-DNA position 192, C replaced by T.
Protein change: p.Ile64=; no amino-acid change (isoleucine 64 retained).
Molecular consequence: synonymous variant. On other transcripts: 5 prime UTR variant (1).
Genome position (GRCh38, 1-based): chr19:33,302,223, G>A on the plus strand (C>T on the coding strand, the complement: CEBPA is on the minus strand). VCF-style: chr19-33302223-G-A. GRCh37 (hg19) VCF-style: chr19-33793129-G-A.
Other names: c.297C>T, p.Ile99= (NM_001287424.2); c.150C>T, p.Ile50= (NM_001287435.2); c.-166C>T (NM_001285829.2).
Identifiers: ClinVar variation 2770051 (VCV002770051.3), dbSNP rs1224681075, ClinGen allele CA507007556.